The following is an entry in ClinVar:

NM_001365088.1(SLC12A6):c.2459C>T (p.Ala820Val)

Genes: SLC12A6 (solute carrier family 12 member 6; minus strand), LOC126862097 (P300/CBP strongly-dependent group 1 enhancer GRCh37_chr15:34531007-34532206; plus strand). Cytogenetic location: 15q14.
Variant type: single nucleotide variant.
Coding change: c.2459C>T on transcript NM_001365088.1 (MANE Select); coding-DNA position 2459, C replaced by T.
Protein change: p.Ala820Val; replaces alanine 820 with valine.
Molecular consequence: missense variant.
Genome position (GRCh38, 1-based): chr15:34,239,138, G>A on the plus strand (C>T on the coding strand, the complement: SLC12A6 is on the minus strand). VCF-style: chr15-34239138-G-A. GRCh37 (hg19) VCF-style: chr15-34531339-G-A.
Other names: c.2282C>T, p.Ala761Val (NM_001042494.2, NM_001042495.2); c.2432C>T, p.Ala811Val (NM_001042496.2); c.2414C>T, p.Ala805Val (NM_001042497.2); c.2306C>T, p.Ala769Val (NM_005135.2); c.2459C>T, p.Ala820Val (NM_133647.2); short protein forms A761V, A805V, A769V, A811V, A820V.
Identifiers: ClinVar variation 3702168 (VCV003702168.2).

ClinVar aggregate classification (germline): Uncertain significance (1 of 4 stars; one submission).

gnomAD v4.1: 2 of 1,613,398 alleles (0.00012%); highest among the groups gnomAD compares: Admixed American, 0.0017%; no homozygotes.

Submission:

Labcorp Genetics (formerly Invitae), Labcorp
Classification: Uncertain significance. Last evaluated: 2024-11-26. Review status: criteria provided, single submitter. Criteria: Invitae Variant Classification Sherloc (09022015). Collection method: clinical testing. Allele origin: germline.
Comment: This sequence change replaces alanine, which is neutral and non-polar, with valine, which is neutral and non-polar, at codon 820 of the SLC12A6 protein (p.Ala820Val). This variant is not present in population databases (gnomAD no frequency). This variant has not been reported in the literature in individuals affected with SLC12A6-related conditions. Invitae Evidence Modeling of protein sequence and biophysical properties (such as structural, functional, and spatial information, amino acid conservation, physicochemical variation, residue mobility, and thermodynamic stability) indicates that this missense variant is not expected to disrupt SLC12A6 protein function with a negative predictive value of 80%. In summary, the available evidence is currently insufficient to determine the role of this variant in disease. Therefore, it has been classified as a Variant of Uncertain Significance.